The following is an entry in ClinVar:

NM_001378120.1(MBD5):c.1297T>A (p.Ser433Thr)

Gene: MBD5 (methyl-CpG binding domain protein 5; plus strand). Cytogenetic location: 2q23.1.
Variant type: single nucleotide variant.
Coding change: c.1297T>A on transcript NM_001378120.1 (MANE Select); coding-DNA position 1297, T replaced by A.
Protein change: p.Ser433Thr; replaces serine 433 with threonine.
Molecular consequence: missense variant.
Genome position (GRCh38, 1-based): chr2:148,469,240, T>A. VCF-style: chr2-148469240-T-A. GRCh37 (hg19) VCF-style: chr2-149226809-T-A.
Other names: c.1297T>A, p.Ser433Thr (NM_018328.5); short protein forms S433T.
Identifiers: ClinVar variation 1465803 (VCV001465803.8), dbSNP rs2105631414, ClinGen allele CA348719398.
Genomic context (GRCh38, chr2:148,469,240, plus strand): 5'-AAACCTGGTCACATGAATCATGGGAGTCATGTACAAAGAGTTCAGCATTCAGCTTCAACC[T>A]CCCTGTCCCCTTCTCCAGTGACATCCCCCGTGCACATGATGGGGACTGGAATTGGAAGGA-3'
Protein context (NP_001365049.1, residues 423-443): VQRVQHSAST[Ser433Thr]LSPSPVTSPV

ClinVar aggregate classification (germline): Uncertain significance (1 of 4 stars; one submission).

Conditions:
Intellectual developmental disorder, autosomal dominant 1. Also called: Intellectual disability, autosomal dominant 1; MBD5 Haploinsufficiency. Identifiers: Orphanet 228402, MedGen C1969562, MONDO:0007974, OMIM 156200.

Submission:

Labcorp Genetics (formerly Invitae), Labcorp
Classification: Uncertain significance for Intellectual developmental disorder, autosomal dominant 1. Last evaluated: 2021-03-12. Review status: criteria provided, single submitter. Criteria: Invitae Variant Classification Sherloc (09022015). Collection method: clinical testing. Allele origin: germline.
Comment: This variant is not present in population databases (ExAC no frequency). This sequence change replaces serine with threonine at codon 433 of the MBD5 protein (p.Ser433Thr). The serine residue is highly conserved and there is a small physicochemical difference between serine and threonine. This variant has not been reported in the literature in individuals with MBD5-related conditions. Algorithms developed to predict the effect of missense changes on protein structure and function are either unavailable or do not agree on the potential impact of this missense change (SIFT: "Deleterious"; PolyPhen-2: "Benign"; Align-GVGD: "Class C55"). In summary, the available evidence is currently insufficient to determine the role of this variant in disease. Therefore, it has been classified as a Variant of Uncertain Significance.